The following is an entry in ClinVar:

NM_006767.4(LZTR1):c.854A>C (p.Tyr285Ser)

Gene: LZTR1 (leucine zipper like post translational regulator 1; plus strand). Cytogenetic location: 22q11.21.
Variant type: single nucleotide variant.
Coding change: c.854A>C on transcript NM_006767.4 (MANE Select); coding-DNA position 854, A replaced by C.
Protein change: p.Tyr285Ser; replaces tyrosine 285 with serine.
Molecular consequence: missense variant.
Genome position (GRCh38, 1-based): chr22:20,991,690, A>C. VCF-style: chr22-20991690-A-C. GRCh37 (hg19) VCF-style: chr22-21345979-A-C.
Other names: short protein forms Y285S.
Identifiers: ClinVar variation 3238354 (VCV003238354.1), dbSNP rs2518617091.

ClinVar aggregate classification (germline): Uncertain significance (1 of 4 stars; one submission).

Conditions:
Hereditary cancer-predisposing syndrome. Also called: Neoplastic Syndromes, Hereditary; Tumor predisposition; Hereditary neoplastic syndrome; Hereditary Cancer Syndrome. Identifiers: Orphanet 140162, MedGen C0027672, MeSH D009386, MONDO:0015356.
Cardiovascular phenotype. Identifiers: MedGen CN230736.

Submission:

Ambry Genetics
Classification: Uncertain significance for Cardiovascular phenotype; Hereditary cancer-predisposing syndrome. Last evaluated: 2023-04-19. Review status: criteria provided, single submitter. Criteria: Ambry Variant Classification Scheme 2023. Collection method: clinical testing. Allele origin: germline.
Comment: The p.Y285S variant (also known as c.854A>C), located in coding exon 9 of the LZTR1 gene, results from an A to C substitution at nucleotide position 854. The tyrosine at codon 285 is replaced by serine, an amino acid with dissimilar properties. This amino acid position is conserved. In addition, this alteration is predicted to be deleterious by in silico analysis. Since supporting evidence is limited at this time, the clinical significance of this alteration remains unclear.